The following is an entry in ClinVar:

NM_018706.7(DHTKD1):c.2686C>T (p.Pro896Ser)

Gene: DHTKD1 (dehydrogenase E1 and transketolase domain containing 1; plus strand). Cytogenetic location: 10p14.
Variant type: single nucleotide variant.
Coding change: c.2686C>T on transcript NM_018706.7 (MANE Select); coding-DNA position 2686, C replaced by T.
Protein change: p.Pro896Ser; replaces proline 896 with serine.
Molecular consequence: missense variant.
Genome position (GRCh38, 1-based): chr10:12,120,814, C>T. VCF-style: chr10-12120814-C-T. GRCh37 (hg19) VCF-style: chr10-12162813-C-T.
Other names: short protein forms P896S.
Identifiers: ClinVar variation 1387784 (VCV001387784.6), dbSNP rs1833515167, ClinGen allele CA376017771.

ClinVar aggregate classification (germline): Uncertain significance (1 of 4 stars; one submission).

Conditions:
2-aminoadipic 2-oxoadipic aciduria (AAKAD). Also called: Aminoadipic aciduria; ALPHA-AMINOADIPIC AND ALPHA-KETOADIPIC ACIDURIA. Identifiers: Orphanet 79154, MedGen C1859817, MONDO:0008774, OMIM 204750.

Allele frequency attached by ClinVar (database versions not stated): TOPMed below 0.00001.

Submission:

Labcorp Genetics (formerly Invitae), Labcorp
Classification: Uncertain significance for 2-aminoadipic 2-oxoadipic aciduria. Last evaluated: 2023-12-19. Review status: criteria provided, single submitter. Criteria: Invitae Variant Classification Sherloc (09022015). Collection method: clinical testing. Allele origin: germline.
Comment: This sequence change replaces proline, which is neutral and non-polar, with serine, which is neutral and polar, at codon 896 of the DHTKD1 protein (p.Pro896Ser). This variant is not present in population databases (gnomAD no frequency). This variant has not been reported in the literature in individuals affected with DHTKD1-related conditions. ClinVar contains an entry for this variant (Variation ID: 1387784). Advanced modeling of protein sequence and biophysical properties (such as structural, functional, and spatial information, amino acid conservation, physicochemical variation, residue mobility, and thermodynamic stability) performed at Invitae indicates that this missense variant is not expected to disrupt DHTKD1 protein function with a negative predictive value of 80%. In summary, the available evidence is currently insufficient to determine the role of this variant in disease. Therefore, it has been classified as a Variant of Uncertain Significance.